The following is an entry in ClinVar:

NM_000059.4(BRCA2):c.7480C>A (p.Arg2494=)

Gene: BRCA2 (BRCA2 DNA repair associated; plus strand). Cytogenetic location: 13q13.1.
Variant type: single nucleotide variant.
Coding change: c.7480C>A on transcript NM_000059.4 (MANE Select); coding-DNA position 7480, C replaced by A.
Protein change: p.Arg2494=; no amino-acid change (arginine 2494 retained).
Molecular consequence: synonymous variant.
Genome position (GRCh38, 1-based): chr13:32,356,472, C>A. VCF-style: chr13-32356472-C-A. GRCh37 (hg19) VCF-style: chr13-32930609-C-A.
Identifiers: ClinVar variation 427428 (VCV000427428.15), dbSNP rs80358972, ClinGen allele CA6941103.

ClinVar aggregate classification (germline): Likely benign. Review status: reviewed by expert panel (3 of 4 stars). 5 submissions from 5 submitters: Likely benign (1). 4 of the submissions do not count toward it. Last evaluated 2017-06-29.

Conditions:
Hereditary cancer-predisposing syndrome. Also called: Hereditary neoplastic syndrome; Hereditary Cancer Syndrome; Neoplastic Syndromes, Hereditary; Tumor predisposition. Identifiers: Orphanet 140162, MedGen C0027672, MeSH D009386, MONDO:0015356.
Hereditary breast ovarian cancer syndrome. Also called: Hereditary breast and ovarian cancer syndrome; BRCA1- and BRCA2-Associated Hereditary Breast and Ovarian Cancer; Hereditary breast and/or ovarian cancer syndrome; Hereditary breast and ovarian cancer; Breast and ovarian cancer; Hereditary breast and ovarian cancer syndrome (HBOC). Identifiers: Orphanet 145, MedGen C0677776, MeSH D061325, MONDO:0003582. Disease mechanism: loss of function.
Breast-ovarian cancer, familial, susceptibility to, 2 (BROVCA2). Also called: BRCA2 Hereditary Breast and Ovarian Cancer. Identifiers: Orphanet 145, MedGen C2675520, MONDO:0012933, OMIM 612555. Disease mechanism: loss of function.

gnomAD v4.1: 2 of 1,613,996 alleles (0.00012%); highest among the groups gnomAD compares: South Asian, 0.0011%; no homozygotes.

Submissions (5):

Evidence-based Network for the Interpretation of Germline Mutant Alleles (ENIGMA)
Classification: Likely benign for Breast-ovarian cancer, familial, susceptibility to, 2. Last evaluated: 2017-06-29. Review status: reviewed by expert panel. Criteria: ENIGMA BRCA1/2 Classification Criteria (2017-06-29). Collection method: curation. Allele origin: germline.
Comment: Synonymous substitution variant, with low bioinformatic likelihood to result in a splicing aberration (Splicing prior probability 0.02).

Labcorp Genetics (formerly Invitae), Labcorp
Classification: Likely benign for Hereditary breast ovarian cancer syndrome. Last evaluated: 2024-09-14. Review status: criteria provided, single submitter. Criteria: Invitae Variant Classification Sherloc (09022015). Collection method: clinical testing. Allele origin: germline. Not counted in ClinVar's aggregate classification.

Genetic Services Laboratory, University of Chicago
Classification: Likely benign. Last evaluated: 2021-08-03. Review status: criteria provided, single submitter. Criteria: ACMG Guidelines, 2015. Collection method: clinical testing. Allele origin: germline. Affected: no. Not counted in ClinVar's aggregate classification.

Color Diagnostics, LLC DBA Color Health
Classification: Likely benign for Hereditary cancer-predisposing syndrome. Last evaluated: 2018-12-02. Review status: criteria provided, single submitter. Criteria: ACMG Guidelines, 2015. Collection method: clinical testing. Allele origin: germline. Not counted in ClinVar's aggregate classification.

Ambry Genetics
Classification: Likely benign for Hereditary cancer-predisposing syndrome. Last evaluated: 2015-10-06. Review status: criteria provided, single submitter. Criteria: Ambry Variant Classification Scheme 2023. Collection method: clinical testing. Allele origin: germline. Not counted in ClinVar's aggregate classification.